The following is an entry in ClinVar:

ClinVar aggregate classification (germline): Pathogenic. Review status: criteria provided, multiple submitters, no conflicts (2 of 4 stars). 3 submissions from 3 submitters: Pathogenic (3). Last evaluated 2023-11-27.

Conditions:
Severe myoclonic epilepsy in infancy (DRVT). Also called: Dravet syndrome; SEVERE MYOCLONIC EPILEPSY OF INFANCY; DEVELOPMENTAL AND EPILEPTIC ENCEPHALOPATHY 6A; Severe Myoclonic Epilepsy in Infancy (SMEI); Epileptic encephalopathy, early infantile, 6 (Dravet syndrome). Identifiers: Orphanet 33069, MedGen C0751122, MONDO:0100135, OMIM 607208.
Early-infantile DEE. Also called: Ohtahara syndrome; Early infantile epileptic encephalopathy; Early infantile epileptic encephalopathy with suppression bursts. Identifiers: Orphanet 1934, MedGen C0393706, MONDO:0800491.
Generalized epilepsy with febrile seizures plus, type 2 (GEFSP2). Also called: GEFS+, TYPE 2. Identifiers: Orphanet 36387, MedGen C1858673, MONDO:0011461, OMIM 604403.

Submissions (3):

Institute of Human Genetics Munich, TUM University Hospital
Classification: Pathogenic for Generalized epilepsy with febrile seizures plus, type 2. Last evaluated: 2023-11-27. Review status: criteria provided, single submitter. Criteria: Classification criteria August 2017. Collection method: clinical testing. Allele origin: germline. Inheritance: Autosomal dominant inheritance. Affected: yes. Observed: 1 variant allele.

Labcorp Genetics (formerly Invitae), Labcorp
Classification: Pathogenic for Early-infantile DEE. Last evaluated: 2023-10-17. Review status: criteria provided, single submitter. Criteria: Invitae Variant Classification Sherloc (09022015). Collection method: clinical testing. Allele origin: germline.
Comment: This sequence change falls in intron 20 of the SCN1A gene. It does not directly change the encoded amino acid sequence of the SCN1A protein. However, this sequence change falls within a region encompassing a cryptic exon in the SCN1A gene, in which variants have been shown to alter splicing (PMID: 30526861, 34107977). This variant is not present in population databases (gnomAD no frequency). This variant has been observed in individual(s) with febrile seizures plus (PMID: 28554332, 30526861). In at least one individual the variant was observed to be de novo. This variant is also known as c.3969+2451G>C. ClinVar contains an entry for this variant (Variation ID: 224116). Algorithms developed to predict the effect of variants on protein structure and function are not available or were not evaluated for this variant. Experimental studies have shown that this variant affects SCN1A function (PMID: 33411788). Studies have shown that this variant alters mRNA splicing and is expected to lead to the loss of protein expression (PMID: 30526861, 33411788). For these reasons, this variant has been classified as Pathogenic.

HudsonAlpha Institute for Biotechnology
Classification: Pathogenic for Severe myoclonic epilepsy in infancy. Last evaluated: 2019-03-29. Review status: criteria provided, single submitter. Criteria: HA_assertions_20161101. Collection method: research. Allele origin: de novo. Inheritance: Autosomal dominant inheritance. Affected: yes. Observed: 1 variant allele.

Literature cited by the submitters: PubMed 30526861 (cited by Labcorp Genetics (formerly Invitae), Labcorp); PubMed 34107977 (cited by Labcorp Genetics (formerly Invitae), Labcorp); PubMed 28554332 (cited by Labcorp Genetics (formerly Invitae), Labcorp); PubMed 33411788 (cited by Labcorp Genetics (formerly Invitae), Labcorp).

NM_001165963.4(SCN1A):c.4002+2451G>C

Genes: SCN1A (sodium voltage-gated channel alpha subunit 1; minus strand), LOC102724058 (uncharacterized LOC102724058; plus strand). Cytogenetic location: 2q24.3.
Variant type: single nucleotide variant.
Coding change: c.4002+2451G>C on transcript NM_001165963.4 (MANE Select); 2451 bases into the intron after coding-DNA position 4002, G replaced by C.
Molecular consequence: intron variant. On other transcripts: non-coding transcript variant (1).
Genome position (GRCh38, 1-based): chr2:166,007,268, C>G on the plus strand (G>C on the coding strand, the complement: SCN1A is on the minus strand). VCF-style: chr2-166007268-C-G. GRCh37 (hg19) VCF-style: chr2-166863778-C-G.
Other names: c.3969+2451G>C (NM_001353949.2, NM_001353950.2, NM_001353951.2 and 2 more transcripts); c.3918+2451G>C (NM_001353958.2, NM_001353957.2, NM_001165964.3); c.4002+2451G>C (NM_001202435.3, NM_001353948.2); c.3966+2451G>C (NM_001353955.2, NM_001353954.2); c.3915+2451G>C (NM_001353960.2); c.1560+2451G>C (NM_001353961.2).
Identifiers: ClinVar variation 224116 (VCV000224116.11), dbSNP rs869312684, ClinGen allele CA357199.
Genomic context (GRCh38, chr2:166,007,268, plus strand): 5'-AGCAAAAGGGGTAATACAGTACCCATAATAAAGGGCTCAGGGGAGGAACCAGCGCTCCAC[C>G]CCATCCAAGTTGGAGCAAGATTATCCTATACAAAATAGAAATATATAGTTTGTTATTAGT-3'